The following is an entry in ClinVar:

NM_177438.3(DICER1):c.2300C>A (p.Pro767His)

Gene: DICER1 (dicer 1, ribonuclease III; minus strand). Cytogenetic location: 14q32.13.
Variant type: single nucleotide variant.
Coding change: c.2300C>A on transcript NM_177438.3 (MANE Select); coding-DNA position 2300, C replaced by A.
Protein change: p.Pro767His; replaces proline 767 with histidine.
Molecular consequence: missense variant.
Genome position (GRCh38, 1-based): chr14:95,108,460, G>T on the plus strand (C>A on the coding strand, the complement: DICER1 is on the minus strand). VCF-style: chr14-95108460-G-T. GRCh37 (hg19) VCF-style: chr14-95574797-G-T.
Other names: c.2300C>A, p.Pro767His (NM_001195573.1, NM_001271282.3, NM_001291628.2 and 1 more transcripts); short protein forms P767H.
Identifiers: ClinVar variation 821063 (VCV000821063.16), dbSNP rs764001016, ClinGen allele CA7331258.

ClinVar aggregate classification (germline): Uncertain significance. Review status: criteria provided, multiple submitters, no conflicts (2 of 4 stars). 2 submissions from 2 submitters: Uncertain significance (2). Last evaluated 2026-01-14.

Conditions:
DICER1-related tumor predisposition. Also called: DICER1-related pleuropulmonary blastoma cancer predisposition syndrome; DICER1 syndrome. Identifiers: Orphanet 284343, MedGen C3839822, MONDO:0100216.
Hereditary cancer-predisposing syndrome. Also called: Hereditary Cancer Syndrome; Neoplastic Syndromes, Hereditary; Hereditary neoplastic syndrome; Tumor predisposition. Identifiers: Orphanet 140162, MedGen C0027672, MeSH D009386, MONDO:0015356.

Allele frequency attached by ClinVar (database versions not stated): gnomAD exomes below 0.00001; ExAC 0.00001.
gnomAD v4.1: 1 of 1,614,076 alleles (0.000062%); highest among the groups gnomAD compares: Admixed American, 0.0017%; no homozygotes.

Submissions (2):

Labcorp Genetics (formerly Invitae), Labcorp
Classification: Uncertain significance for DICER1-related tumor predisposition. Last evaluated: 2026-01-14. Review status: criteria provided, single submitter. Criteria: Invitae Variant Classification Sherloc (09022015). Collection method: clinical testing. Allele origin: germline.
Comment: This sequence change replaces proline, which is neutral and non-polar, with histidine, which is basic and polar, at codon 767 of the DICER1 protein (p.Pro767His). This variant is present in population databases (rs764001016, gnomAD 0.003%). This variant has not been reported in the literature in individuals affected with DICER1-related conditions. ClinVar contains an entry for this variant (Variation ID: 821063). Invitae Evidence Modeling of protein sequence and biophysical properties (such as structural, functional, and spatial information, amino acid conservation, physicochemical variation, residue mobility, and thermodynamic stability) indicates that this missense variant is not expected to disrupt DICER1 protein function with a negative predictive value of 95%. In summary, the available evidence is currently insufficient to determine the role of this variant in disease. Therefore, it has been classified as a Variant of Uncertain Significance.

Ambry Genetics
Classification: Uncertain significance for Hereditary cancer-predisposing syndrome. Last evaluated: 2025-11-03. Review status: criteria provided, single submitter. Criteria: Ambry Variant Classification Scheme 2023. Collection method: clinical testing. Allele origin: germline.
Comment: The p.P767H variant (also known as c.2300C>A), located in coding exon 14 of the DICER1 gene, results from a C to A substitution at nucleotide position 2300. The proline at codon 767 is replaced by histidine, an amino acid with similar properties. This amino acid position is well conserved in available vertebrate species. In addition, the in silico prediction for this alteration is inconclusive. Based on the available evidence, the clinical significance of this variant remains unclear.